The following is an entry in ClinVar:

NM_014946.4(SPAST):c.1209del (p.Phe404fs)

Gene: SPAST (spastin; plus strand). Cytogenetic location: 2p22.3.
Variant type: Deletion.
Coding change: c.1209del on transcript NM_014946.4 (MANE Select); coding-DNA position 1209, one base deleted (C; older notation c.1209delC).
Protein change: p.Phe404fs; shifts the reading frame from phenylalanine 404.
Molecular consequence: frameshift variant.
Genome position (GRCh38, 1-based): chr2:32,128,443, C deleted. VCF-style (leftmost placement, unchanged base first): chr2-32128442-TC-T. GRCh37 (hg19) VCF-style: chr2-32353511-TC-T.
Other names: c.1206del, p.Phe403fs (NM_001363823.2); c.1110del, p.Phe371fs (NM_001363875.2); c.1113del, p.Phe372fs (NM_001377959.1, NM_199436.2); short protein forms F371fs, F404fs, F372fs, F403fs.
Identifiers: ClinVar variation 377083 (VCV000377083.5), dbSNP rs1057520127, ClinGen allele CA16603261.

ClinVar aggregate classification (germline): Pathogenic/Likely pathogenic. Review status: criteria provided, multiple submitters, no conflicts (2 of 4 stars). 3 submissions from 3 submitters: Pathogenic (1); Likely pathogenic (2). Last evaluated 2025-02-06.

Conditions:
Hereditary spastic paraplegia 4. Also called: Spastic paraplegia 4, autosomal dominant; Spastic Paraplegia 4; Familial spastic paraplegia autosomal dominant 2. Identifiers: Orphanet 100985, MedGen C1866855, MONDO:0008438, OMIM 182601.

Submissions (3):

Labcorp Genetics (formerly Invitae), Labcorp
Classification: Pathogenic for Hereditary spastic paraplegia 4. Last evaluated: 2025-02-06. Review status: criteria provided, single submitter. Criteria: Invitae Variant Classification Sherloc (09022015). Collection method: clinical testing. Allele origin: germline.
Comment: This sequence change creates a premature translational stop signal (p.Phe404Leufs*3) in the SPAST gene. It is expected to result in an absent or disrupted protein product. Loss-of-function variants in SPAST are known to be pathogenic (PMID: 20932283). This variant is not present in population databases (gnomAD no frequency). This variant has not been reported in the literature in individuals affected with SPAST-related conditions. ClinVar contains an entry for this variant (Variation ID: 377083). Algorithms developed to predict the effect of sequence changes on RNA splicing suggest that this variant may disrupt the consensus splice site. For these reasons, this variant has been classified as Pathogenic.

Athena Diagnostics
Classification: Likely pathogenic. Last evaluated: 2016-09-30. Review status: criteria provided, single submitter. Criteria: Athena Diagnostics Criteria. Collection method: clinical testing. Allele origin: germline.

Center for Pediatric Genomic Medicine, Children's Mercy Hospital and Clinics
Classification: Likely pathogenic. Last evaluated: 2016-09-01. Review status: criteria provided, single submitter. Criteria: ACMG Guidelines, 2015. Collection method: clinical testing. Allele origin: germline.

Literature cited by the submitters: PubMed 20932283 (cited by Labcorp Genetics (formerly Invitae), Labcorp).